The following is an entry in ClinVar:

NM_006517.5(SLC16A2):c.960_995del (p.Tyr321_Ala332del)

Gene: SLC16A2 (solute carrier family 16 member 2; plus strand). Cytogenetic location: Xq13.2.
Variant type: Deletion.
Coding change: c.960_995del on transcript NM_006517.5 (MANE Select); coding-DNA positions 960 to 995, 36 bases deleted.
Protein change: p.Tyr321_Ala332del.
Molecular consequence: inframe deletion.
Genome position (GRCh38, 1-based): chrX:74,524,743-74,524,778, 36 bases deleted; deleting any 36 consecutive bases within chrX:74,524,742-74,524,778 gives the same sequence; the c. name uses the placement nearest the transcript's 3' end. GRCh37 (hg19): chrX:73,744,578-73,744,613.
Identifiers: ClinVar variation 2132784 (VCV002132784.4), dbSNP rs2519806818, ClinGen allele CA2580101377.

ClinVar aggregate classification (germline): Pathogenic (1 of 4 stars; one submission).

Conditions:
Spastic paraplegia. Identifiers: MedGen C0037772, HP:0001258.

Submission:

Labcorp Genetics (formerly Invitae), Labcorp
Classification: Pathogenic for Spastic paraplegia. Last evaluated: 2022-11-15. Review status: criteria provided, single submitter. Criteria: Invitae Variant Classification Sherloc (09022015). Collection method: clinical testing. Allele origin: germline.
Comment: This variant, c.960_995del, results in the deletion of 12 amino acid(s) of the SLC16A2 protein (p.Tyr321_Ala332del), but otherwise preserves the integrity of the reading frame. This variant is not present in population databases (gnomAD no frequency). This variant has not been reported in the literature in individuals affected with SLC16A2-related conditions. This variant disrupts a region of the SLC16A2 protein in which other variant(s) (p.Gly327Arg) have been determined to be pathogenic (PMID: 20083155, 23744248, 30369548). This suggests that this is a clinically significant region of the protein, and that variants that disrupt it are likely to be disease-causing. For these reasons, this variant has been classified as Pathogenic.

Literature cited by the submitters: PubMed 20083155; PubMed 23744248; PubMed 30369548.